The following is an entry in ClinVar:

ClinVar aggregate classification (germline): Pathogenic (1 of 4 stars; one submission).

Conditions:
Nystagmus 6, congenital, X-linked (NYS6). Identifiers: MedGen C3151752, MONDO:0010435, OMIM 300814.
Ocular albinism, type I (OA1). Also called: X-linked recessive ocular albinism; Ocular Albinism type 1; Ocular albinism, type I, Nettleship-Falls type; NETTLESHIP-FALLS TYPE OCULAR ALBINISM. Identifiers: Orphanet 54, MedGen C0342684, MONDO:0021019, OMIM 300500.

Submission:

Laboratory of Genetic Epidemiology, Research Centre for Medical Genetics
Classification: Pathogenic for Nystagmus 6, congenital, X-linked; Ocular albinism, type I. Last evaluated: 2025-01-01. Review status: criteria provided, single submitter. Criteria: ACMG Guidelines, 2015. Collection method: clinical testing. Allele origin: unknown. Inheritance: Autosomal recessive inheritance. Affected: yes. Observed: 1 hemizygote.
Comment: This variant has been previously reported in the literature (PMID: 34838614), and is not listed in gnomAD v3.1.2. The deleted amino acid position is evolutionarily conserved. It has been shown that non-synonymous substitutions in the adjacent protein region lead to abnormal melanosome distribution and impaired protein delivery to the cell surface in both melanocytic and non-melanocytic cells (PMIDs: 16621890, 18697795). Taken together, the variant meets the following ACMG/AMP criteria and can be classified as pathogenic with PM2, PVS1, PP5 criteria.

Literature cited by the submitters: PubMed 34838614; PubMed 16621890; PubMed 18697795; PubMed 41428507.

NM_000273.3(GPR143):c.707GGA[1] (p.Arg237del)

Gene: GPR143 (G protein-coupled receptor 143; minus strand). Cytogenetic location: Xp22.2.
Variant type: Microsatellite.
Coding change: c.707GGA[1] on transcript NM_000273.3 (MANE Select); one copy of the 3-base unit GGA starting at c.707; the reference has two copies in a row; one copy, 3 bases deleted; also written c.710_712del.
Protein change: p.Arg237del; deletes arginine 237.
Genome position (GRCh38, 1-based): chrX:9,743,620-9,743,622, TCC deleted on the plus strand (GGA on the coding strand, the reverse complement: GPR143 is on the minus strand); deleting any 3 consecutive bases within chrX:9,743,620-9,743,627 gives the same sequence; the position shown is the placement nearest the transcript's 3' end. VCF-style (leftmost placement, unchanged base first): chrX-9743619-ATCC-A. GRCh37 (hg19) VCF-style: chrX-9711659-ATCC-A.
Other names: c.710_712del (NM_000273.3); c.707GGA[1], p.Arg237del (NM_001440781.1); short protein forms R237del.
Identifiers: ClinVar variation 4077134 (VCV004077134.1).